The following is an entry in ClinVar:

ClinVar aggregate classification (germline): Likely pathogenic (1 of 4 stars; one submission).

Conditions:
Cardiovascular phenotype. Identifiers: MedGen CN230736.

Submission:

Ambry Genetics
Classification: Likely pathogenic for Cardiovascular phenotype. Last evaluated: 2023-12-07. Review status: criteria provided, single submitter. Criteria: Ambry Variant Classification Scheme 2023. Collection method: clinical testing. Allele origin: germline.
Comment: The c.1029-18_1050del40 variant results from a deletion of 40 nucleotides between positions c.1029-18 and c.1050 and involves the canonical splice acceptor site before coding exon 5 of the ALPK3 gene. The canonical splice acceptor site is highly conserved in available vertebrate species. In silico splice site analysis predicts that this alteration will weaken the native splice acceptor site; however, the exact impact of this deletion on ALPK3 splicing and function is currently unknown. This variant is considered to be rare based on population cohorts in the Genome Aggregation Database (gnomAD). Alterations that disrupt the canonical splice site are expected to cause aberrant splicing, resulting in an abnormal protein or a transcript that is subject to nonsense-mediated mRNA decay. As such, this alteration is classified as likely pathogenic.

NM_020778.5(ALPK3):c.423-18_444del

Gene: ALPK3 (alpha kinase 3; plus strand). Cytogenetic location: 15q25.3.
Variant type: Deletion.
Coding change: c.423-18_444del on transcript NM_020778.5 (MANE Select); 18 bases into the intron before coding-DNA position 423 through coding-DNA position 444, 40 bases deleted.
Molecular consequence: splice acceptor variant.
Genome position (GRCh38, 1-based): chr15:84,839,684-84,839,723, 40 bases deleted; deleting any 40 consecutive bases within chr15:84,839,682-84,839,723 gives the same sequence; the c. name uses the placement nearest the transcript's 3' end. GRCh37 (hg19): chr15:85,382,915-85,382,954.
Identifiers: ClinVar variation 3227434 (VCV003227434.1), dbSNP rs2505704683, ClinGen allele CA2825002306.